The following is an entry in ClinVar:

NM_012232.6(CAVIN1):c.1147C>A (p.Leu383Met)

Gene: CAVIN1 (caveolae associated protein 1; minus strand). Cytogenetic location: 17q21.2.
Variant type: single nucleotide variant.
Coding change: c.1147C>A on transcript NM_012232.6 (MANE Select); coding-DNA position 1147, C replaced by A.
Protein change: p.Leu383Met; replaces leucine 383 with methionine.
Molecular consequence: missense variant.
Genome position (GRCh38, 1-based): chr17:42,404,713, G>T on the plus strand (C>A on the coding strand, the complement: CAVIN1 is on the minus strand). VCF-style: chr17-42404713-G-T. GRCh37 (hg19) VCF-style: chr17-40556731-G-T.
Other names: short protein forms L383M.
Identifiers: ClinVar variation 3827741 (VCV003827741.2).
Genomic context (GRCh38, chr17:42,404,713, plus strand): 5'-AGCGAGGAATGGGGTGGGTGGCAGCGGGGGCGGCTCAGTCGCTGTCGCTCTTGTCCACCA[G>T]CACGGCGTCCGACTCCTCGGTGATCTCCAGCAGCGCGTGCACGTCGGGGCTGCTCCCGCG-3'
Protein context (NP_036364.2, residues 373-390): LEITEESDAV[Leu383Met]VDKSDSD

ClinVar aggregate classification (germline): Uncertain significance. Review status: criteria provided, multiple submitters, no conflicts (2 of 4 stars). 2 submissions from 2 submitters: Uncertain significance (2). Last evaluated 2025-05-02.

Submissions (2):

Greenwood Genetic Center Diagnostic Laboratories, Greenwood Genetic Center
Classification: Uncertain significance. Last evaluated: 2025-05-02. Review status: criteria provided, single submitter. Criteria: ACMG Guidelines, 2015. Collection method: clinical testing. Allele origin: germline. Affected: yes.
Comment: PM2

Ambry Genetics
Classification: Uncertain significance. Last evaluated: 2025-01-16. Review status: criteria provided, single submitter. Criteria: Ambry Variant Classification Scheme 2023. Collection method: clinical testing. Allele origin: germline.